The following is an entry in ClinVar:

NM_147127.5(EVC2):c.1005+108G>T

Genes: EVC2 (EvC ciliary complex subunit 2; minus strand), LOC126806962 (BRD4-independent group 4 enhancer GRCh37_chr4:5666069-5667268; plus strand). Cytogenetic location: 4p16.2.
Variant type: single nucleotide variant.
Coding change: c.1005+108G>T on transcript NM_147127.5 (MANE Select); 108 bases into the intron after coding-DNA position 1005, G replaced by T.
Molecular consequence: intron variant.
Genome position (GRCh38, 1-based): chr4:5,665,407, C>A on the plus strand (G>T on the coding strand, the complement: EVC2 is on the minus strand). VCF-style: chr4-5665407-C-A. GRCh37 (hg19) VCF-style: chr4-5667134-C-A.
Other names: c.765+108G>T (NM_001166136.2).
Identifiers: ClinVar variation 675033 (VCV000675033.2), dbSNP rs79284218, ClinGen allele CA15324227.

ClinVar aggregate classification (germline): Benign. Review status: criteria provided, multiple submitters, no conflicts (2 of 4 stars). 2 submissions from 2 submitters: Benign (2). Last evaluated 2018-06-14.

Allele frequency attached by ClinVar (database versions not stated): 1000 Genomes Project 0.15216; 1000 Genomes Project 30x 0.15256; gnomAD 0.16778 and 0.16976; TOPMed 0.16974; gnomAD exomes 0.17191.
gnomAD v4.1: 265,377 of 1,544,522 alleles (17%); highest among the groups gnomAD compares: Middle Eastern, 22%; 23,560 homozygotes.

Submissions (2):

GeneDx
Classification: Benign. Last evaluated: 2018-06-14. Review status: criteria provided, single submitter. Criteria: GeneDx Variant Classification (06012015). Collection method: clinical testing. Allele origin: germline. Affected: yes.
Comment: This variant is considered likely benign or benign based on one or more of the following criteria: it is a conservative change, it occurs at a poorly conserved position in the protein, it is predicted to be benign by multiple in silico algorithms, and/or has population frequency not consistent with disease.

Breakthrough Genomics
Classification: Benign. Review status: criteria provided, single submitter. Criteria: ACMG Guidelines, 2015. Collection method: not provided. Allele origin: germline. Inheritance: Autosomal recessive inheritance. Affected: yes.